The following is an entry in ClinVar:

ClinVar aggregate classification (germline): Likely benign (1 of 4 stars; one submission).

Allele frequency attached by ClinVar (database versions not stated): gnomAD exomes 0.00001; ExAC 0.00002; ESP Exome Variant Server 0.00008.
gnomAD v4.1: 22 of 1,613,864 alleles (0.0014%); highest among the groups gnomAD compares: Non-Finnish European, 0.0019%; no homozygotes.

Submission:

GeneDx
Classification: Likely benign. Last evaluated: 2017-03-14. Review status: criteria provided, single submitter. Criteria: GeneDx Variant Classification (06012015). Collection method: clinical testing. Allele origin: germline. Affected: yes.
Comment: This variant is considered likely benign or benign based on one or more of the following criteria: it is a conservative change, it occurs at a poorly conserved position in the protein, it is predicted to be benign by multiple in silico algorithms, and/or has population frequency not consistent with disease.

NM_004984.4(KIF5A):c.-13G>A

Gene: KIF5A (kinesin family member 5A; plus strand). Cytogenetic location: 12q13.3.
Variant type: single nucleotide variant.
Coding change: c.-13G>A on transcript NM_004984.4 (MANE Select); 13 bases upstream of the start codon, G replaced by A.
Molecular consequence: 5 prime UTR variant.
Genome position (GRCh38, 1-based): chr12:57,550,259, G>A. VCF-style: chr12-57550259-G-A. GRCh37 (hg19) VCF-style: chr12-57944042-G-A.
Other names: c.-13G>A (NM_001354705.2).
Identifiers: ClinVar variation 507908 (VCV000507908.1), dbSNP rs375902978, ClinGen allele CA6652484.